The following is an entry in ClinVar:

ClinVar aggregate classification (germline): Pathogenic. Review status: criteria provided, multiple submitters, no conflicts (2 of 4 stars). 4 submissions from 4 submitters: Pathogenic (3). 1 of the submissions does not count toward it. Last evaluated 2023-11-10.

Conditions:
Neuroocular syndrome. Identifiers: MedGen C5551362, MONDO:0859193.
Autism (AUTS). Also called: Autistic disorder; Autistic disorder of childhood onset. Identifiers: MedGen C0004352, MeSH D001321, MONDO:0005260, OMIM 209850, HP:0000717.
Iris coloboma. Also called: Coloboma of iris. Identifiers: Orphanet 98944, MedGen C0240063, MONDO:0020356, HP:0000612.
Delayed speech and language development. Also called: Language delay. Identifiers: MedGen C0454644, HP:0000750.
Motor delay. Also called: Motor Developmental Delay; Motor retardation. Identifiers: MedGen C1854301, HP:0001270.
Abnormality of vision. Identifiers: MedGen C4025846, HP:0000504.
Neuroocular syndrome 1 (NOC1). Identifiers: Orphanet 659904, MedGen C5925133, MONDO:0971007, OMIM 619539.

Submissions (4):

Daryl Scott Lab, Baylor College of Medicine
Classification: Pathogenic for Neuroocular syndrome 1. Last evaluated: 2023-11-10. Review status: criteria provided, single submitter. Criteria: ACMG Guidelines, 2015. Collection method: clinical testing. Allele origin: de novo. Affected: yes.

SIB Swiss Institute of Bioinformatics
Classification: Pathogenic for Neuroocular syndrome 1. Last evaluated: 2022-03-18. Review status: criteria provided, single submitter. Criteria: ACMG Guidelines, 2015. Collection method: curation. Allele origin: unknown.
Comment: This variant is interpreted as pathogenic for Neuroocular syndrome, autosomal dominant. The following ACMG Tag(s) were applied: Absent from controls (or at extremely low frequency if recessive) in Exome Sequencing Project, 1000 Genomes Project, or Exome Aggregation Consortium (PM2); De novo with paternity and maternity confirmed (PS2); Predicted nullvariant in a gene where LOF is a known mechanism of disease (PVS1 downgraded to strong).

Baylor Genetics
Classification: Pathogenic for Abnormality of vision; Iris coloboma; Delayed speech and language development; Motor delay; Autism. Last evaluated: 2017-11-15. Review status: criteria provided, single submitter. Criteria: ACMG Guidelines, 2015. Collection method: clinical testing. Allele origin: de novo. Inheritance: Autosomal dominant inheritance. Affected: yes. Observed: 1 variant allele, 1 heterozygote.

OMIM
Classification: Pathogenic for NEUROOCULAR SYNDROME 1. Last evaluated: 2024-04-30. Review status: no assertion criteria provided. Collection method: literature only. Allele origin: germline. Not counted in ClinVar's aggregate classification.

Literature cited by the submitters: PubMed 29556724 (cited by SIB Swiss Institute of Bioinformatics and OMIM); PubMed 33824499 (cited by SIB Swiss Institute of Bioinformatics).

NM_020719.3(PRR12):c.1918G>T (p.Glu640Ter)

Gene: PRR12 (proline rich 12; plus strand). Cytogenetic location: 19q13.33.
Variant type: single nucleotide variant.
Coding change: c.1918G>T on transcript NM_020719.3 (MANE Select); coding-DNA position 1918, G replaced by T.
Protein change: p.Glu640Ter; replaces glutamic acid 640 with a stop codon.
Molecular consequence: nonsense.
Genome position (GRCh38, 1-based): chr19:49,596,253, G>T. VCF-style: chr19-49596253-G-T. GRCh37 (hg19) VCF-style: chr19-50099510-G-T.
Other names: short protein forms E640*.
Identifiers: ClinVar variation 446254 (VCV000446254.10), dbSNP rs1555740650, ClinGen allele CA406869490.